The following is an entry in ClinVar:

ClinVar aggregate classification (germline): Uncertain significance (1 of 4 stars; one submission).

Conditions:
Hereditary cancer-predisposing syndrome. Also called: Tumor predisposition; Neoplastic Syndromes, Hereditary; Hereditary Cancer Syndrome; Hereditary neoplastic syndrome. Identifiers: Orphanet 140162, MedGen C0027672, MeSH D009386, MONDO:0015356.

Submission:

Ambry Genetics
Classification: Uncertain significance for Hereditary cancer-predisposing syndrome. Last evaluated: 2024-12-16. Review status: criteria provided, single submitter. Criteria: Ambry Variant Classification Scheme 2023. Collection method: clinical testing. Allele origin: germline.
Comment: The p.E516K variant (also known as c.1546G>A), located in coding exon 10 of the MSH3 gene, results from a G to A substitution at nucleotide position 1546. The glutamic acid at codon 516 is replaced by lysine, an amino acid with similar properties. This amino acid position is conserved. In addition, the in silico prediction for this alteration is inconclusive. Based on the available evidence, the clinical significance of this variant remains unclear.

NM_002439.5(MSH3):c.1546G>A (p.Glu516Lys)

Gene: MSH3 (mutS homolog 3; plus strand). Cytogenetic location: 5q14.1.
Variant type: single nucleotide variant.
Coding change: c.1546G>A on transcript NM_002439.5 (MANE Select); coding-DNA position 1546, G replaced by A.
Protein change: p.Glu516Lys; replaces glutamic acid 516 with lysine.
Molecular consequence: missense variant.
Genome position (GRCh38, 1-based): chr5:80,728,943, G>A. VCF-style: chr5-80728943-G-A. GRCh37 (hg19) VCF-style: chr5-80024762-G-A.
Other names: short protein forms E516K.
Identifiers: ClinVar variation 3874952 (VCV003874952.1).